The following is an entry in ClinVar:

NM_001805.4(CEBPE):c.794G>A (p.Arg265His)

Gene: CEBPE (CCAAT enhancer binding protein epsilon; minus strand). Cytogenetic location: 14q11.2.
Variant type: single nucleotide variant.
Coding change: c.794G>A on transcript NM_001805.4 (MANE Select); coding-DNA position 794, G replaced by A.
Protein change: p.Arg265His; replaces arginine 265 with histidine.
Molecular consequence: missense variant.
Genome position (GRCh38, 1-based): chr14:23,117,539, C>T on the plus strand (G>A on the coding strand, the complement: CEBPE is on the minus strand). VCF-style: chr14-23117539-C-T. GRCh37 (hg19) VCF-style: chr14-23586748-C-T.
Other names: short protein forms R265H.
Identifiers: ClinVar variation 1015584 (VCV001015584.9), dbSNP rs199967428, ClinGen allele CA7111093.

ClinVar aggregate classification (germline): Uncertain significance (1 of 4 stars; one submission).

Conditions:
Specific granule deficiency. Identifiers: Orphanet 169142, MedGen C0398593, MONDO:0009506.

Allele frequency attached by ClinVar (database versions not stated): gnomAD 0.00002 and 0.00003; TOPMed 0.00002; 1000 Genomes Project 30x 0.00016; 1000 Genomes Project 0.00020.
gnomAD v4.1: 9 of 1,613,880 alleles (0.00056%); highest among the groups gnomAD compares: African/African-American, 0.004%; no homozygotes.

Submission:

Labcorp Genetics (formerly Invitae), Labcorp
Classification: Uncertain significance for Specific granule deficiency. Last evaluated: 2022-08-19. Review status: criteria provided, single submitter. Criteria: Invitae Variant Classification Sherloc (09022015). Collection method: clinical testing. Allele origin: germline.
Comment: This sequence change replaces arginine, which is basic and polar, with histidine, which is basic and polar, at codon 265 of the CEBPE protein (p.Arg265His). In summary, the available evidence is currently insufficient to determine the role of this variant in disease. Therefore, it has been classified as a Variant of Uncertain Significance. Algorithms developed to predict the effect of missense changes on protein structure and function are either unavailable or do not agree on the potential impact of this missense change (SIFT: "Tolerated"; PolyPhen-2: "Probably Damaging"; Align-GVGD: "Class C0"). ClinVar contains an entry for this variant (Variation ID: 1015584). This variant has not been reported in the literature in individuals affected with CEBPE-related conditions. The frequency data for this variant in the population databases is considered unreliable, as metrics indicate poor data quality at this position in the gnomAD database.